The following is an entry in ClinVar:

NM_024675.4(PALB2):c.1142T>G (p.Leu381Arg)

Gene: PALB2 (partner and localizer of BRCA2; minus strand). Cytogenetic location: 16p12.2.
Variant type: single nucleotide variant.
Coding change: c.1142T>G on transcript NM_024675.4 (MANE Select); coding-DNA position 1142, T replaced by G.
Protein change: p.Leu381Arg; replaces leucine 381 with arginine.
Molecular consequence: missense variant. On other transcripts: intron variant (3).
Genome position (GRCh38, 1-based): chr16:23,635,404, A>C on the plus strand (T>G on the coding strand, the complement: PALB2 is on the minus strand). VCF-style: chr16-23635404-A-C. GRCh37 (hg19) VCF-style: chr16-23646725-A-C.
Other names: c.257T>G, p.Leu86Arg (NM_001407304.1, NM_001407305.1, NM_001407306.1 and 5 more transcripts); c.48+5706T>G (NM_001407314.1); c.-104-4935T>G (NM_001407313.1, NM_001407312.1); c.1082T>G, p.Leu361Arg (NM_001407296.1); c.1142T>G, p.Leu381Arg (NM_001407297.1, NM_001407298.1, NM_001407299.1 and 3 more transcripts); short protein forms L361R, L381R, L86R.
Identifiers: ClinVar variation 3665810 (VCV003665810.2).

ClinVar aggregate classification (germline): Uncertain significance (1 of 4 stars; one submission).

Conditions:
Familial cancer of breast. Also called: hereditary breast carcinoma; Hereditary breast cancer; BREAST CANCER, FAMILIAL. Identifiers: Orphanet 227535, MedGen C0346153, MONDO:0016419, OMIM 114480. Disease mechanism: loss of function.

Submission:

Labcorp Genetics (formerly Invitae), Labcorp
Classification: Uncertain significance for Familial cancer of breast. Last evaluated: 2024-10-29. Review status: criteria provided, single submitter. Criteria: Invitae Variant Classification Sherloc (09022015). Collection method: clinical testing. Allele origin: germline.
Comment: This sequence change replaces leucine, which is neutral and non-polar, with arginine, which is basic and polar, at codon 381 of the PALB2 protein (p.Leu381Arg). This variant is not present in population databases (gnomAD no frequency). This variant has not been reported in the literature in individuals affected with PALB2-related conditions. Invitae Evidence Modeling of protein sequence and biophysical properties (such as structural, functional, and spatial information, amino acid conservation, physicochemical variation, residue mobility, and thermodynamic stability) indicates that this missense variant is not expected to disrupt PALB2 protein function with a negative predictive value of 80%. In summary, the available evidence is currently insufficient to determine the role of this variant in disease. Therefore, it has been classified as a Variant of Uncertain Significance.